The following is an entry in ClinVar:

ClinVar aggregate classification (germline): Uncertain significance (1 of 4 stars; one submission).

Allele frequency attached by ClinVar (database versions not stated): gnomAD exomes 0.00001.
gnomAD v4.1: 3 of 1,211,470 alleles (0.00025%); highest among the groups gnomAD compares: African/African-American, 0.0052%; no homozygotes.

Submission:

CeGaT Center for Human Genetics Tuebingen
Classification: Uncertain significance. Last evaluated: 2023-06-01. Review status: criteria provided, single submitter. Criteria: CeGaT Center For Human Genetics Tuebingen Variant Classification Criteria Version 2. Collection method: clinical testing. Allele origin: germline. Affected: yes. Observed: 1 variant allele.
Comment: USP9X: PM2:Supporting, BP4

NM_001039591.3(USP9X):c.6852T>C (p.Ser2284=)

Gene: USP9X (ubiquitin specific peptidase 9 X-linked; plus strand). Cytogenetic location: Xp11.4.
Variant type: single nucleotide variant.
Coding change: c.6852T>C on transcript NM_001039591.3 (MANE Select); coding-DNA position 6852, T replaced by C.
Protein change: p.Ser2284=; no amino-acid change (serine 2284 retained).
Molecular consequence: synonymous variant.
Genome position (GRCh38, 1-based): chrX:41,224,842, T>C. VCF-style: chrX-41224842-T-C. GRCh37 (hg19) VCF-style: chrX-41084095-T-C.
Other names: c.6867T>C, p.Ser2289= (NM_001410749.1, NM_001410748.1); c.6852T>C, p.Ser2284= (NM_001039590.3).
Identifiers: ClinVar variation 2660333 (VCV002660333.24), dbSNP rs2519399711, ClinGen allele CA516347784.